The following is an entry in ClinVar:

ClinVar aggregate classification (germline): Benign. Review status: criteria provided, multiple submitters, no conflicts (2 of 4 stars). 5 submissions from 5 submitters: Benign (4). 1 of the submissions does not count toward it. Last evaluated 2026-02-03.

Conditions:
AGRN-related disorder. Also called: AGRN-related condition.
Congenital myasthenic syndrome 8. Also called: Myasthenic syndrome, congenital, 8, with pre- and postsynaptic defects; MYASTHENIC SYNDROME, CONGENITAL, DUE TO AGRIN DEFICIENCY. Identifiers: Orphanet 590, MedGen C3808739, MONDO:0014052, OMIM 615120.

Allele frequency attached by ClinVar (database versions not stated): gnomAD exomes 0.00094; ExAC 0.00114; 1000 Genomes Project 0.00958; 1000 Genomes Project 30x 0.01046; gnomAD 0.01210 and 0.01336; TOPMed 0.01301.
gnomAD v4.1: 2,982 of 1,333,304 alleles (0.22%); highest among the groups gnomAD compares: African/African-American, 4.2%; 44 homozygotes.

Submissions (5):

Labcorp Genetics (formerly Invitae), Labcorp
Classification: Benign for Congenital myasthenic syndrome 8. Last evaluated: 2026-02-03. Review status: criteria provided, single submitter. Criteria: Invitae Variant Classification Sherloc (09022015). Collection method: clinical testing. Allele origin: germline.

Mayo Clinic Laboratories, Mayo Clinic
Classification: Benign. Last evaluated: 2023-12-05. Review status: criteria provided, single submitter. Criteria: ACMG Guidelines, 2015. Collection method: clinical testing. Allele origin: germline. Observed: 2 variant alleles.
Comment: BS1, BS2, BP4

GeneDx
Classification: Benign. Last evaluated: 2018-07-31. Review status: criteria provided, single submitter. Criteria: GeneDx Variant Classification Process June 2021. Collection method: clinical testing. Allele origin: germline. Affected: yes.

Breakthrough Genomics
Classification: Benign. Review status: criteria provided, single submitter. Criteria: ACMG Guidelines, 2015. Collection method: not provided. Allele origin: germline. Inheritance: Autosomal recessive inheritance. Affected: yes.

PreventionGenetics, part of Exact Sciences
Classification: Benign for AGRN-related condition. Last evaluated: 2019-03-29. Review status: no assertion criteria provided. Collection method: clinical testing. Allele origin: germline. Not counted in ClinVar's aggregate classification.
Comment: This variant is classified as benign based on ACMG/AMP sequence variant interpretation guidelines (Richards et al. 2015 PMID: 25741868, with internal and published modifications).

NM_198576.4(AGRN):c.11G>C (p.Arg4Pro)

Gene: AGRN (agrin; plus strand). Cytogenetic location: 1p36.33.
Variant type: single nucleotide variant.
Coding change: c.11G>C on transcript NM_198576.4 (MANE Select); coding-DNA position 11, G replaced by C.
Protein change: p.Arg4Pro; replaces arginine 4 with proline.
Molecular consequence: missense variant.
Genome position (GRCh38, 1-based): chr1:1,020,183, G>C. VCF-style: chr1-1020183-G-C. GRCh37 (hg19) VCF-style: chr1-955563-G-C.
Other names: p.Arg4Pro; c.11G>C, p.Arg4Pro (NM_001305275.2); short protein forms R4P.
Identifiers: ClinVar variation 387476 (VCV000387476.19), dbSNP rs539283387, ClinGen allele CA507760.